The following is an entry in ClinVar:

NM_014625.4(NPHS2):c.365G>C (p.Trp122Ser)

Gene: NPHS2 (NPHS2 stomatin family member, podocin; minus strand). Cytogenetic location: 1q25.2.
Variant type: single nucleotide variant.
Coding change: c.365G>C on transcript NM_014625.4 (MANE Select); coding-DNA position 365, G replaced by C.
Protein change: p.Trp122Ser; replaces tryptophan 122 with serine.
Molecular consequence: missense variant.
Genome position (GRCh38, 1-based): chr1:179,564,703, C>G on the plus strand (G>C on the coding strand, the complement: NPHS2 is on the minus strand). VCF-style: chr1-179564703-C-G. GRCh37 (hg19) VCF-style: chr1-179533838-C-G.
Other names: c.365G>C, p.Trp122Ser (NM_001297575.2); short protein forms W122S.
Identifiers: ClinVar variation 2202890 (VCV002202890.5), dbSNP rs750332447, ClinGen allele CA1267252.

ClinVar aggregate classification (germline): Conflicting classifications of pathogenicity. Review status: criteria provided, conflicting classifications (1 of 4 stars). 4 submissions from 4 submitters: Likely pathogenic (2); Uncertain significance (2). Last evaluated 2025-03-22.

Conditions:
Steroid-resistant nephrotic syndrome. Identifiers: MedGen C0403397, MONDO:0044765, HP:0012588.
Nephrotic syndrome, type 2 (NPHS2). Also called: NEPHROTIC SYNDROME, STEROID-RESISTANT, AUTOSOMAL RECESSIVE. Identifiers: Orphanet 656, MedGen C1868672, MONDO:0010974, OMIM 600995.

gnomAD v4.1: 9 of 1,613,758 alleles (0.00056%); highest among the groups gnomAD compares: Admixed American, 0.01%; no homozygotes.

Submissions (4):

Natera, Inc.
Classification: Likely pathogenic for Steroid-resistant nephrotic syndrome. Last evaluated: 2025-03-22. Review status: criteria provided, single submitter. Criteria: Natera Variant Classification Schema (03/2026). Collection method: clinical testing. Allele origin: germline.
Comment: The c.365G>C variant in NPHS2 is a missense variant predicted to cause substitution of tryptophan to serine at amino acid 122. This variant is rare in the general population with a frequency below the threshold expected for the associated phenotype(s). This variant has been observed in one or more individuals affected with the associated recessive disease, as either homozygous or compound heterozygous with a second variant (PMID: 28566477, 31831576). Computational prediction algorithms indicate this variant is likely to affect gene or protein function. Given the available evidence, this variant is classified as Likely Pathogenic.

Dasa
Classification: Uncertain significance. Last evaluated: 2025-01-24. Review status: criteria provided, single submitter. Criteria: DASA Assertion Criteria. Collection method: clinical testing. Allele origin: germline.
Comment: NM_014625.4(NPHS2):c.365G>C (p.Trp122Ser) is a missense variant that results in the substitution of tryptophan with serine. This variant is rare in population databases. Computational prediction algorithms are consistent with a deleterious effect. The currently available literature and clinical evidence are not sufficient to establish a definitive association between this variant and the reported condition. Therefore, this variant is classified as a variant of uncertain significance.

Fulgent Genetics
Classification: Likely pathogenic for Nephrotic syndrome, type 2. Last evaluated: 2024-01-15. Review status: criteria provided, single submitter. Criteria: ACMG Guidelines, 2015. Collection method: clinical testing. Allele origin: germline.

Labcorp Genetics (formerly Invitae), Labcorp
Classification: Uncertain significance. Last evaluated: 2022-10-17. Review status: criteria provided, single submitter. Criteria: Invitae Variant Classification Sherloc (09022015). Collection method: clinical testing. Allele origin: germline.
Comment: This sequence change replaces tryptophan, which is neutral and slightly polar, with serine, which is neutral and polar, at codon 122 of the NPHS2 protein (p.Trp122Ser). This variant is present in population databases (rs750332447, gnomAD 0.02%). This missense change has been observed in individual(s) with clinical features of nephrotic syndrome (PMID: 24227627; Invitae). Advanced modeling of protein sequence and biophysical properties (such as structural, functional, and spatial information, amino acid conservation, physicochemical variation, residue mobility, and thermodynamic stability) has been performed at Invitae for this missense variant, however the output from this modeling did not meet the statistical confidence thresholds required to predict the impact of this variant on NPHS2 protein function. In summary, the available evidence is currently insufficient to determine the role of this variant in disease. Therefore, it has been classified as a Variant of Uncertain Significance.

Literature cited by the submitters: PubMed 28566477 (cited by Natera, Inc.); PubMed 31831576 (cited by Natera, Inc.); PubMed 24227627 (cited by Labcorp Genetics (formerly Invitae), Labcorp).